The following is an entry in ClinVar:

NM_001378454.1(ALMS1):c.7495A>G (p.Ile2499Val)

Gene: ALMS1 (ALMS1 centrosome and basal body associated protein; plus strand). Cytogenetic location: 2p13.1.
Variant type: single nucleotide variant.
Coding change: c.7495A>G on transcript NM_001378454.1 (MANE Select); coding-DNA position 7495, A replaced by G.
Protein change: p.Ile2499Val; replaces isoleucine 2499 with valine.
Molecular consequence: missense variant.
Genome position (GRCh38, 1-based): chr2:73,454,022, A>G. VCF-style: chr2-73454022-A-G. GRCh37 (hg19) VCF-style: chr2-73681149-A-G.
Other names: c.7498A>G, p.Ile2500Val (NM_015120.4); short protein forms I2499V, I2500V.
Identifiers: ClinVar variation 3226630 (VCV003226630.1), dbSNP rs372383104, ClinGen allele CA50398650.

ClinVar aggregate classification (germline): Uncertain significance (1 of 4 stars; one submission).

Conditions:
Cardiovascular phenotype. Identifiers: MedGen CN230736.

Allele frequency attached by ClinVar (database versions not stated): gnomAD exomes below 0.00001; TOPMed below 0.00001; gnomAD 0.00001.
gnomAD v4.1: 2 of 1,613,368 alleles (0.00012%); highest among the groups gnomAD compares: Non-Finnish European, 0.00017%; no homozygotes.

Submission:

Ambry Genetics
Classification: Uncertain significance for Cardiovascular phenotype. Last evaluated: 2023-11-21. Review status: criteria provided, single submitter. Criteria: Ambry Variant Classification Scheme 2023. Collection method: clinical testing. Allele origin: germline.
Comment: The p.I2500V variant (also known as c.7498A>G), located in coding exon 8 of the ALMS1 gene, results from an A to G substitution at nucleotide position 7498. The isoleucine at codon 2500 is replaced by valine, an amino acid with highly similar properties. This amino acid position is well conserved in available vertebrate species. In addition, this alteration is predicted to be tolerated by in silico analysis. Since supporting evidence is limited at this time, the clinical significance of this alteration remains unclear.